The following is an entry in ClinVar:

ClinVar aggregate classification (germline): Uncertain significance (1 of 4 stars; one submission).

Allele frequency attached by ClinVar (database versions not stated): gnomAD exomes below 0.00001.
gnomAD v4.1: 1 of 1,083,866 alleles (0.000092%); highest among the groups gnomAD compares: South Asian, 0.0043%; no homozygotes.

Submission:

Labcorp Genetics (formerly Invitae), Labcorp
Classification: Uncertain significance. Last evaluated: 2025-10-19. Review status: criteria provided, single submitter. Criteria: Invitae Variant Classification Sherloc (09022015). Collection method: clinical testing. Allele origin: germline.
Comment: This sequence change replaces proline, which is neutral and non-polar, with threonine, which is neutral and polar, at codon 15 of the FOXI3 protein (p.Pro15Thr). The frequency data for this variant in the population databases is considered unreliable, as metrics indicate insufficient coverage at this position in the gnomAD database. This variant has not been reported in the literature in individuals affected with FOXI3-related conditions. ClinVar contains an entry for this variant (Variation ID: 1372473). Experimental studies and prediction algorithms are not available or were not evaluated, and the functional significance of this variant is currently unknown. In summary, the available evidence is currently insufficient to determine the role of this variant in disease. Therefore, it has been classified as a Variant of Uncertain Significance.

NM_001135649.3(FOXI3):c.43C>A (p.Pro15Thr)

Gene: FOXI3 (forkhead box I3; minus strand). Cytogenetic location: 2p11.2.
Variant type: single nucleotide variant.
Coding change: c.43C>A on transcript NM_001135649.3 (MANE Select); coding-DNA position 43, C replaced by A.
Protein change: p.Pro15Thr; replaces proline 15 with threonine.
Molecular consequence: missense variant.
Genome position (GRCh38, 1-based): chr2:88,452,493, G>T on the plus strand (C>A on the coding strand, the complement: FOXI3 is on the minus strand). VCF-style: chr2-88452493-G-T. GRCh37 (hg19) VCF-style: chr2-88752011-G-T.
Other names: short protein forms P15T.
Identifiers: ClinVar variation 1372473 (VCV001372473.6), dbSNP rs1298246013, ClinGen allele CA347767169.